The following is an entry in ClinVar:

NM_000687.4(AHCY):c.1228A>T (p.Thr410Ser)

Gene: AHCY (adenosylhomocysteinase; minus strand). Cytogenetic location: 20q11.22.
Variant type: single nucleotide variant.
Coding change: c.1228A>T on transcript NM_000687.4 (MANE Select); coding-DNA position 1228, A replaced by T.
Protein change: p.Thr410Ser; replaces threonine 410 with serine.
Molecular consequence: missense variant.
Genome position (GRCh38, 1-based): chr20:34,281,105, T>A on the plus strand (A>T on the coding strand, the complement: AHCY is on the minus strand). VCF-style: chr20-34281105-T-A. GRCh37 (hg19) VCF-style: chr20-32868911-T-A.
Other names: c.1228A>T (NM_000687.2); c.1144A>T, p.Thr382Ser (NM_001161766.2, NM_001322084.2, NM_001322085.2); c.1234A>T, p.Thr412Ser (NM_001322086.2); c.1228A>T, p.Thr410Ser (NM_001362750.2); short protein forms T382S, T412S, T410S.
Identifiers: ClinVar variation 1037891 (VCV001037891.10), dbSNP rs1194152113, ClinGen allele CA408652363.

ClinVar aggregate classification (germline): Conflicting classifications of pathogenicity. Review status: criteria provided, conflicting classifications (1 of 4 stars). 2 submissions from 2 submitters: Uncertain significance (1); Likely benign (1). Last evaluated 2026-02-11.

Conditions:
Inborn genetic diseases. Identifiers: MedGen C0950123, MeSH D030342.
Hypermethioninemia with deficiency of S-adenosylhomocysteine hydrolase. Identifiers: Orphanet 88618, MedGen C3151058, MONDO:0013404, OMIM 613752.

Allele frequency attached by ClinVar (database versions not stated): TOPMed 0.00002.
gnomAD v4.1: 3 of 1,614,116 alleles (0.00019%); highest among the groups gnomAD compares: Admixed American, 0.005%; no homozygotes.

Submissions (2):

Ambry Genetics
Classification: Likely benign for Inborn genetic diseases. Last evaluated: 2026-02-11. Review status: criteria provided, single submitter. Criteria: Ambry Variant Classification Scheme 2023. Collection method: clinical testing. Allele origin: germline.

Labcorp Genetics (formerly Invitae), Labcorp
Classification: Uncertain significance for Hypermethioninemia with deficiency of S-adenosylhomocysteine hydrolase. Last evaluated: 2023-11-02. Review status: criteria provided, single submitter. Criteria: Invitae Variant Classification Sherloc (09022015). Collection method: clinical testing. Allele origin: germline.
Comment: This sequence change replaces threonine, which is neutral and polar, with serine, which is neutral and polar, at codon 410 of the AHCY protein (p.Thr410Ser). This variant is present in population databases (no rsID available, gnomAD 0.003%). This variant has not been reported in the literature in individuals affected with AHCY-related conditions. ClinVar contains an entry for this variant (Variation ID: 1037891). Advanced modeling of protein sequence and biophysical properties (such as structural, functional, and spatial information, amino acid conservation, physicochemical variation, residue mobility, and thermodynamic stability) performed at Invitae indicates that this missense variant is not expected to disrupt AHCY protein function with a negative predictive value of 80%. In summary, the available evidence is currently insufficient to determine the role of this variant in disease. Therefore, it has been classified as a Variant of Uncertain Significance.